The following is an entry in ClinVar:

NM_017617.5(NOTCH1):c.3511-175G>A

Gene: NOTCH1 (notch receptor 1; minus strand). Cytogenetic location: 9q34.3.
Variant type: single nucleotide variant.
Coding change: c.3511-175G>A on transcript NM_017617.5 (MANE Select); 175 bases into the intron before coding-DNA position 3511, G replaced by A.
Molecular consequence: intron variant.
Genome position (GRCh38, 1-based): chr9:136,507,612, C>T on the plus strand (G>A on the coding strand, the complement: NOTCH1 is on the minus strand). VCF-style: chr9-136507612-C-T. GRCh37 (hg19) VCF-style: chr9-139402064-C-T.
Identifiers: ClinVar variation 679882 (VCV000679882.1), dbSNP rs74447757, ClinGen allele CA201579835.
Genomic context (GRCh38, chr9:136,507,612, plus strand): 5'-AAGCCACGGGCCCCTCGCTCCTGTCAGACCTGGAGAGAGACCCAGCCCAACAGACCCTGG[C>T]GGGGCCTCGGTGACCGGAGTCACTGCCTGTTGGGGGTGGGTGGACCCCGTCCCATAGGAT-3'

ClinVar aggregate classification (germline): Likely benign (1 of 4 stars; one submission).

Allele frequency attached by ClinVar (database versions not stated): 1000 Genomes Project 0.00359; 1000 Genomes Project 30x 0.00453; TOPMed 0.00487.
gnomAD v4.1: 648 of 152,290 alleles (0.43%); highest among the groups gnomAD compares: African/African-American, 1.5%; 5 homozygotes.

Submission:

GeneDx
Classification: Likely benign. Last evaluated: 2018-06-16. Review status: criteria provided, single submitter. Criteria: GeneDx Variant Classification (06012015). Collection method: clinical testing. Allele origin: germline. Affected: yes.
Comment: This variant is considered likely benign or benign based on one or more of the following criteria: it is a conservative change, it occurs at a poorly conserved position in the protein, it is predicted to be benign by multiple in silico algorithms, and/or has population frequency not consistent with disease.